The following is an entry in ClinVar:

NM_001349.4(DARS1):c.900C>T (p.His300=)

Gene: DARS1 (aspartyl-tRNA synthetase 1; minus strand). Cytogenetic location: 2q21.3.
Variant type: single nucleotide variant.
Coding change: c.900C>T on transcript NM_001349.4 (MANE Select); coding-DNA position 900, C replaced by T.
Protein change: p.His300=; no amino-acid change (histidine 300 retained).
Molecular consequence: synonymous variant.
Genome position (GRCh38, 1-based): chr2:135,920,512, G>A on the plus strand (C>T on the coding strand, the complement: DARS1 is on the minus strand). VCF-style: chr2-135920512-G-A. GRCh37 (hg19) VCF-style: chr2-136678082-G-A.
Other names: c.600C>T, p.His200= (NM_001293312.1); c.900C>T (NM_001349.3).
Identifiers: ClinVar variation 2413721 (VCV002413721.9), dbSNP rs200897445, ClinGen allele CA1889641.

ClinVar aggregate classification (germline): Likely benign. Review status: criteria provided, single submitter (1 of 4 stars). 2 submissions from 2 submitters: Likely benign (1). 1 of the submissions does not count toward it. Last evaluated 2025-10-24.

Conditions:
DARS1-related disorder. Also called: DARS1-related condition.

Allele frequency attached by ClinVar (database versions not stated): ExAC 0.00007; TOPMed 0.00007; gnomAD 0.00008; 1000 Genomes Project 30x 0.00016; 1000 Genomes Project 0.00020.
gnomAD v4.1: 104 of 1,613,528 alleles (0.0064%); highest among the groups gnomAD compares: Non-Finnish European, 0.0077%; no homozygotes.

Submissions (2):

Labcorp Genetics (formerly Invitae), Labcorp
Classification: Likely benign. Last evaluated: 2025-10-24. Review status: criteria provided, single submitter. Criteria: Invitae Variant Classification Sherloc (09022015). Collection method: clinical testing. Allele origin: germline.

PreventionGenetics, part of Exact Sciences
Classification: Likely benign for DARS1-related condition. Last evaluated: 2019-03-01. Review status: no assertion criteria provided. Collection method: clinical testing. Allele origin: germline. Not counted in ClinVar's aggregate classification.
Comment: This variant is classified as likely benign based on ACMG/AMP sequence variant interpretation guidelines (Richards et al. 2015 PMID: 25741868, with internal and published modifications).